The following is an entry in ClinVar:

NM_000338.3(SLC12A1):c.3159T>G (p.Ile1053Met)

Gene: SLC12A1 (solute carrier family 12 member 1; plus strand). Cytogenetic location: 15q21.1.
Variant type: single nucleotide variant.
Coding change: c.3159T>G on transcript NM_000338.3 (MANE Select); coding-DNA position 3159, T replaced by G.
Protein change: p.Ile1053Met; replaces isoleucine 1053 with methionine.
Molecular consequence: missense variant.
Genome position (GRCh38, 1-based): chr15:48,301,377, T>G. VCF-style: chr15-48301377-T-G. GRCh37 (hg19) VCF-style: chr15-48593574-T-G.
Other names: c.3159T>G, p.Ile1053Met (NM_001184832.2, NM_001384136.1); short protein forms I1053M.
Identifiers: ClinVar variation 2855759 (VCV002855759.3), dbSNP rs2505225846, ClinGen allele CA392321930.

ClinVar aggregate classification (germline): Uncertain significance (1 of 4 stars; one submission).

Submission:

Labcorp Genetics (formerly Invitae), Labcorp
Classification: Uncertain significance. Last evaluated: 2025-10-21. Review status: criteria provided, single submitter. Criteria: Invitae Variant Classification Sherloc (09022015). Collection method: clinical testing. Allele origin: germline.
Comment: This sequence change replaces isoleucine, which is neutral and non-polar, with methionine, which is neutral and non-polar, at codon 1053 of the SLC12A1 protein (p.Ile1053Met). This variant is not present in population databases (gnomAD no frequency). This variant has not been reported in the literature in individuals affected with SLC12A1-related conditions. ClinVar contains an entry for this variant (Variation ID: 2855759). Invitae Evidence Modeling of protein sequence and biophysical properties (such as structural, functional, and spatial information, amino acid conservation, physicochemical variation, residue mobility, and thermodynamic stability) indicates that this missense variant is expected to disrupt SLC12A1 protein function with a positive predictive value of 80%. In summary, the available evidence is currently insufficient to determine the role of this variant in disease. Therefore, it has been classified as a Variant of Uncertain Significance.